The following is an entry in ClinVar:

NM_001953.5(TYMP):c.234C>G (p.Ile78Met)

Genes: TYMP (thymidine phosphorylase; minus strand), LOC130067864 (ATAC-STARR-seq lymphoblastoid active region 19325; plus strand). Cytogenetic location: 22q13.33.
Variant type: single nucleotide variant.
Coding change: c.234C>G on transcript NM_001953.5 (MANE Select); coding-DNA position 234, C replaced by G.
Protein change: p.Ile78Met; replaces isoleucine 78 with methionine.
Molecular consequence: missense variant.
Genome position (GRCh38, 1-based): chr22:50,529,319, G>C on the plus strand (C>G on the coding strand, the complement: TYMP is on the minus strand). VCF-style: chr22-50529319-G-C. GRCh37 (hg19) VCF-style: chr22-50967748-G-C.
Other names: c.234C>G, p.Ile78Met (NM_001113755.3, NM_001113756.3, NM_001257988.1 and 1 more transcripts); short protein forms I78M.
Identifiers: ClinVar variation 1972934 (VCV001972934.5), dbSNP rs1410669683, ClinGen allele CA412202325.

ClinVar aggregate classification (germline): Uncertain significance (1 of 4 stars; one submission).

Submission:

Labcorp Genetics (formerly Invitae), Labcorp
Classification: Uncertain significance. Last evaluated: 2022-06-08. Review status: criteria provided, single submitter. Criteria: Invitae Variant Classification Sherloc (09022015). Collection method: clinical testing. Allele origin: germline.
Comment: This sequence change replaces isoleucine, which is neutral and non-polar, with methionine, which is neutral and non-polar, at codon 78 of the TYMP protein (p.Ile78Met). This variant is not present in population databases (gnomAD no frequency). In summary, the available evidence is currently insufficient to determine the role of this variant in disease. Therefore, it has been classified as a Variant of Uncertain Significance. Advanced modeling of protein sequence and biophysical properties (such as structural, functional, and spatial information, amino acid conservation, physicochemical variation, residue mobility, and thermodynamic stability) performed at Invitae indicates that this missense variant is not expected to disrupt TYMP protein function. This variant has not been reported in the literature in individuals affected with TYMP-related conditions.